The following is an entry in ClinVar:

NM_001999.4(FBN2):c.1423G>A (p.Gly475Ser)

Gene: FBN2 (fibrillin 2; minus strand). Cytogenetic location: 5q23.3.
Variant type: single nucleotide variant.
Coding change: c.1423G>A on transcript NM_001999.4 (MANE Select); coding-DNA position 1423, G replaced by A.
Protein change: p.Gly475Ser; replaces glycine 475 with serine.
Molecular consequence: missense variant.
Genome position (GRCh38, 1-based): chr5:128,393,177, C>T on the plus strand (G>A on the coding strand, the complement: FBN2 is on the minus strand). VCF-style: chr5-128393177-C-T. GRCh37 (hg19) VCF-style: chr5-127728870-C-T.
Other names: short protein forms G475S.
Identifiers: ClinVar variation 264520 (VCV000264520.18), dbSNP rs200440156, ClinGen allele CA3395804.

ClinVar aggregate classification (germline): Conflicting classifications of pathogenicity. Review status: criteria provided, conflicting classifications (1 of 4 stars). 5 submissions from 5 submitters: Uncertain significance (4); Benign (1). Last evaluated 2026-01-17.

Conditions:
Familial thoracic aortic aneurysm and aortic dissection (TAAD). Also called: Thoracic aortic aneurysms and dissections. Identifiers: Orphanet 91387, MedGen C4707243, MONDO:0019625.
Congenital contractural arachnodactyly (CCA). Also called: BEALS SYNDROME; Arthrogryposis, distal, type 9; Beals-Hecht syndrome. Identifiers: Orphanet 115, MedGen C0220668, MONDO:0007363, OMIM 121050.
Macular degeneration, early-onset (EOMD). Identifiers: MedGen C4015286, MONDO:0014501, OMIM 616118.

Allele frequency attached by ClinVar (database versions not stated): gnomAD 0.00003; TOPMed 0.00007; 1000 Genomes Project 30x 0.00016; 1000 Genomes Project 0.00020.
gnomAD v4.1: 48 of 1,614,154 alleles (0.003%); highest among the groups gnomAD compares: Admixed American, 0.037%; no homozygotes.

Submissions (5):

Labcorp Genetics (formerly Invitae), Labcorp
Classification: Benign for Congenital contractural arachnodactyly. Last evaluated: 2026-01-17. Review status: criteria provided, single submitter. Criteria: Invitae Variant Classification Sherloc (09022015). Collection method: clinical testing. Allele origin: germline.

GeneDx
Classification: Uncertain significance. Last evaluated: 2025-01-27. Review status: criteria provided, single submitter. Criteria: GeneDx Variant Classification Process June 2021. Collection method: clinical testing. Allele origin: germline.
Comment: Has not been previously published as pathogenic or benign to our knowledge; In silico analysis indicates that this missense variant does not alter protein structure/function

Fulgent Genetics
Classification: Uncertain significance for Congenital contractural arachnodactyly; Macular degeneration, early-onset. Last evaluated: 2021-11-10. Review status: criteria provided, single submitter. Criteria: ACMG Guidelines, 2015. Collection method: clinical testing. Allele origin: unknown.

Illumina Laboratory Services, Illumina
Classification: Uncertain significance for Congenital contractural arachnodactyly. Last evaluated: 2018-01-12. Review status: criteria provided, single submitter. Criteria: ICSL Variant Classification Criteria 13 December 2019. Collection method: clinical testing. Allele origin: germline.

Ambry Genetics
Classification: Uncertain significance for Familial thoracic aortic aneurysm and aortic dissection. Last evaluated: 2015-12-01. Review status: criteria provided, single submitter. Criteria: Ambry Variant Classification Scheme 2023. Collection method: clinical testing. Allele origin: germline.
Comment: The p.G475S variant (also known as c.1423G>A), located in coding exon 10 of the FBN2 gene, results from a G to A substitution at nucleotide position 1423. The glycine at codon 475 is replaced by serine, an amino acid with similar properties. This variant was previously reported in the SNPDatabase as rs200440156. Based on data from the 1000 Genomes Project, the A allele has an overall frequency of approximately 0.05% (1/2098) total alleles studied. The highest observed frequency was 0.86% (1/116) Mexican-American alleles. In population based cohorts in NHLBI Exome Sequencing Project (ESP), this variant was not observed in 6503 samples (13006 alleles) with coverage at this position. This amino acid position is well conserved in available vertebrate species. In addition, the in silico prediction for this alteration is inconclusive. Since supporting evidence is limited at this time, the clinical significance of this variant remains unclear.